The following is an entry in ClinVar:

ClinVar aggregate classification (germline): Uncertain significance (1 of 4 stars; one submission).

Allele frequency attached by ClinVar (database versions not stated): gnomAD 0.00001.
gnomAD v4.1: 3 of 1,614,058 alleles (0.00019%); highest among the groups gnomAD compares: Non-Finnish European, 0.00025%; no homozygotes.

Submission:

Labcorp Genetics (formerly Invitae), Labcorp
Classification: Uncertain significance. Last evaluated: 2023-05-17. Review status: criteria provided, single submitter. Criteria: Invitae Variant Classification Sherloc (09022015). Collection method: clinical testing. Allele origin: germline.
Comment: In summary, the available evidence is currently insufficient to determine the role of this variant in disease. Therefore, it has been classified as a Variant of Uncertain Significance. Advanced modeling of protein sequence and biophysical properties (such as structural, functional, and spatial information, amino acid conservation, physicochemical variation, residue mobility, and thermodynamic stability) performed at Invitae indicates that this missense variant is not expected to disrupt GSN protein function. This variant has not been reported in the literature in individuals affected with GSN-related conditions. This variant is present in population databases (no rsID available, gnomAD 0.0009%). This sequence change replaces methionine, which is neutral and non-polar, with valine, which is neutral and non-polar, at codon 310 of the GSN protein (p.Met310Val).

NM_198252.3(GSN):c.775A>G (p.Met259Val)

Gene: GSN (gelsolin; plus strand). Cytogenetic location: 9q33.2.
Variant type: single nucleotide variant.
Coding change: c.775A>G on transcript NM_198252.3 (MANE Select); coding-DNA position 775, A replaced by G.
Protein change: p.Met259Val; replaces methionine 259 with valine.
Molecular consequence: missense variant.
Genome position (GRCh38, 1-based): chr9:121,317,107, A>G. VCF-style: chr9-121317107-A-G. GRCh37 (hg19) VCF-style: chr9-124079385-A-G.
Other names: c.928A>G, p.Met310Val (NM_000177.5); c.775A>G, p.Met259Val (NM_001127662.2, NM_001127664.2, NM_001353058.2 and 10 more transcripts); c.883A>G, p.Met295Val (NM_001127663.2); c.808A>G, p.Met270Val (NM_001353063.2, NM_001353064.2, NM_001353065.2 and 13 more transcripts); c.121A>G, p.Met41Val (NM_001353078.2); c.826A>G, p.Met276Val (NM_001258029.2); c.799A>G, p.Met267Val (NM_001258030.2); c.847A>G, p.Met283Val (NM_001353076.2); short protein forms M259V, M310V, M41V, M267V, M283V, M270V, M276V, M295V.
Identifiers: ClinVar variation 2899689 (VCV002899689.3), dbSNP rs1156902746, ClinGen allele CA374743045.